The following is an entry in ClinVar:

ClinVar aggregate classification (germline): Uncertain significance (1 of 4 stars; one submission).

Conditions:
SIM1-related disorder. Also called: SIM1-related condition; SIM1-related disorders.

Allele frequency attached by ClinVar (database versions not stated): gnomAD exomes 0.00001; ExAC 0.00003.
gnomAD v4.1: 10 of 1,613,308 alleles (0.00062%); highest among the groups gnomAD compares: Admixed American, 0.013%; no homozygotes.

Submission:

PreventionGenetics, part of Exact Sciences
Classification: Uncertain significance for SIM1-related condition. Last evaluated: 2025-11-05. Review status: criteria provided, single submitter. Criteria: ACMG Guidelines, 2015. Collection method: clinical testing. Allele origin: germline.
Comment: The SIM1 c.539A>G variant is predicted to result in the amino acid substitution p.Tyr180Cys. To our knowledge, this variant has not been reported in the literature. This variant is reported in 0.023% of alleles in individuals of Latino descent in gnomAD. At this time, the clinical significance of this variant is uncertain due to the absence of conclusive functional and genetic evidence.

NM_005068.3(SIM1):c.539A>G (p.Tyr180Cys)

Gene: SIM1 (SIM bHLH transcription factor 1; minus strand). Cytogenetic location: 6q16.3.
Variant type: single nucleotide variant.
Coding change: c.539A>G on transcript NM_005068.3 (MANE Select); coding-DNA position 539, A replaced by G.
Protein change: p.Tyr180Cys; replaces tyrosine 180 with cysteine.
Molecular consequence: missense variant.
Genome position (GRCh38, 1-based): chr6:100,449,367, T>C on the plus strand (A>G on the coding strand, the complement: SIM1 is on the minus strand). VCF-style: chr6-100449367-T-C. GRCh37 (hg19) VCF-style: chr6-100897243-T-C.
Other names: c.539A>G, p.Tyr180Cys (NM_001374769.1); short protein forms Y180C.
Identifiers: ClinVar variation 2634060 (VCV002634060.2), dbSNP rs779591420, ClinGen allele CA3937281.